The following is an entry in ClinVar:

NM_001849.4(COL6A2):c.735+6T>C

Gene: COL6A2 (collagen type VI alpha 2 chain; plus strand). Cytogenetic location: 21q22.3.
Variant type: single nucleotide variant.
Coding change: c.735+6T>C on transcript NM_001849.4 (MANE Select); 6 bases into the intron after coding-DNA position 735, T replaced by C.
Molecular consequence: intron variant.
Genome position (GRCh38, 1-based): chr21:46,112,830, T>C. VCF-style: chr21-46112830-T-C. GRCh37 (hg19) VCF-style: chr21-47532744-T-C.
Other names: c.735+6T>C (NM_058175.3, NM_058174.3).
Identifiers: ClinVar variation 968695 (VCV000968695.10), dbSNP rs2078423797, ClinGen allele CA1139666901.

ClinVar aggregate classification (germline): Uncertain significance (1 of 4 stars; one submission).

Conditions:
Bethlem myopathy 1A. Also called: Bethlem Muscular Dystrophy; Bethlem myopathy 1; MYOPATHY, BENIGN CONGENITAL, WITH CONTRACTURES. Identifiers: Orphanet 610, MedGen CN029274, MONDO:0024530, OMIM 158810.

Allele frequency attached by ClinVar (database versions not stated): gnomAD exomes 0.00001.
gnomAD v4.1: 3 of 1,613,456 alleles (0.00019%); highest among the groups gnomAD compares: Non-Finnish European, 0.00025%; no homozygotes.

Submission:

Labcorp Genetics (formerly Invitae), Labcorp
Classification: Uncertain significance for Bethlem myopathy 1A. Last evaluated: 2019-11-06. Review status: criteria provided, single submitter. Criteria: Invitae Variant Classification Sherloc (09022015). Collection method: clinical testing. Allele origin: germline.
Comment: In summary, the available evidence is currently insufficient to determine the role of this variant in disease. Therefore, it has been classified as a Variant of Uncertain Significance. This sequence change falls in intron 4 of the COL6A2 gene. It does not directly change the encoded amino acid sequence of the COL6A2 protein, but it affects a nucleotide within the consensus splice site of the intron. This variant is not present in population databases (ExAC no frequency). This variant has not been reported in the literature in individuals with COL6A2-related conditions. Nucleotide substitutions within the consensus splice site are a relatively common cause of aberrant splicing (PMID: 17576681, 9536098). Algorithms developed to predict the effect of sequence changes on RNA splicing suggest that this variant is not likely to affect RNA splicing, but this prediction has not been confirmed by published transcriptional studies.

Literature cited by the submitters: PubMed 17576681; PubMed 9536098.